The following is an entry in ClinVar:

NM_001042492.3(NF1):c.769G>T (p.Ala257Ser)

Gene: NF1 (neurofibromin 1; plus strand). Cytogenetic location: 17q11.2.
Variant type: single nucleotide variant.
Coding change: c.769G>T on transcript NM_001042492.3 (MANE Select); coding-DNA position 769, G replaced by T.
Protein change: p.Ala257Ser; replaces alanine 257 with serine.
Molecular consequence: missense variant.
Genome position (GRCh38, 1-based): chr17:31,182,546, G>T. VCF-style: chr17-31182546-G-T. GRCh37 (hg19) VCF-style: chr17-29509564-G-T.
Other names: c.769G>T, p.Ala257Ser (NM_000267.4, NM_001128147.3); short protein forms A257S.
Identifiers: ClinVar variation 3879071 (VCV003879071.1).

ClinVar aggregate classification (germline): Uncertain significance (1 of 4 stars; one submission).

Conditions:
Cardiovascular phenotype. Identifiers: MedGen CN230736.
Hereditary cancer-predisposing syndrome. Also called: Tumor predisposition; Neoplastic Syndromes, Hereditary; Hereditary Cancer Syndrome; Hereditary neoplastic syndrome. Identifiers: Orphanet 140162, MedGen C0027672, MeSH D009386, MONDO:0015356.

Submission:

Ambry Genetics
Classification: Uncertain significance for Cardiovascular phenotype; Hereditary cancer-predisposing syndrome. Last evaluated: 2025-01-23. Review status: criteria provided, single submitter. Criteria: Ambry Variant Classification Scheme 2023. Collection method: clinical testing. Allele origin: germline.
Comment: The p.A257S variant (also known as c.769G>T), located in coding exon 8 of the NF1 gene, results from a G to T substitution at nucleotide position 769. The alanine at codon 257 is replaced by serine, an amino acid with similar properties. This amino acid position is conserved. In addition, the in silico prediction for this alteration is inconclusive. Based on the available evidence, the clinical significance of this variant remains unclear.